The following is an entry in ClinVar:

ClinVar aggregate classification (germline): Likely pathogenic (1 of 4 stars; one submission).

Conditions:
Cardiac malformation, cleft lip/palate, microcephaly, and digital anomalies. Also called: CLEFT PALATE, CARDIAC DEFECTS, AND IMPAIRED INTELLECTUAL DEVELOPMENT. Identifiers: MedGen C1832950, MONDO:0010970, OMIM 600987.

Submission:

Baylor Genetics
Classification: Likely pathogenic for Cardiac malformation, cleft lip/palate, microcephaly, and digital anomalies. Last evaluated: 2018-04-19. Review status: criteria provided, single submitter. Criteria: ACMG Guidelines, 2015. Collection method: clinical testing. Allele origin: de novo. Affected: yes.
Comment: This variant was determined to be likely pathogenic according to ACMG Guidelines, 2015 [PMID:25741868].

NM_170675.5(MEIS2):c.877G>C (p.Ala293Pro)

Gene: MEIS2 (Meis homeobox 2; minus strand). Cytogenetic location: 15q14.
Variant type: single nucleotide variant.
Coding change: c.877G>C on transcript NM_170675.5 (MANE Select); coding-DNA position 877, G replaced by C.
Protein change: p.Ala293Pro; replaces alanine 293 with proline.
Molecular consequence: missense variant. On other transcripts: non-coding transcript variant (1).
Genome position (GRCh38, 1-based): chr15:37,036,837, C>G on the plus strand (G>C on the coding strand, the complement: MEIS2 is on the minus strand). VCF-style: chr15-37036837-C-G. GRCh37 (hg19) VCF-style: chr15-37329038-C-G.
Other names: c.877G>C, p.Ala293Pro (NM_001220482.2, NM_170674.5, NM_170676.5 and 1 more transcripts); c.838G>C, p.Ala280Pro (NM_002399.4, NM_172315.3); c.613G>C, p.Ala205Pro (NM_172316.3); short protein forms A280P, A205P, A293P.
Identifiers: ClinVar variation 1033183 (VCV001033183.1), dbSNP rs1385058993, ClinGen allele CA391927571.